The following is an entry in ClinVar:

ClinVar aggregate classification (germline): Uncertain significance (1 of 4 stars; one submission).

Conditions:
MELAS syndrome (MELAS). Also called: Juvenile myopathy, encephalopathy, lactic acidosis, stroke. Identifiers: Orphanet 550, MedGen C0162671, MONDO:0010789, OMIM 540000.

Submission:

Wong Mito Lab, Molecular and Human Genetics, Baylor College of Medicine
Classification: Uncertain significance for MELAS syndrome. Last evaluated: 2019-07-12. Review status: criteria provided, single submitter. Criteria: Modified ACMG Guidelines (Unpublished). Collection method: clinical testing. Allele origin: germline.
Comment: The NC_012920.1:m.4400A>G variant in MT-TQ gene is interpreted to be a Unknown Significance variant based on the modified ACMG guidelines (unpublished). This variant meets the following evidence codes reported in the guidelines: PM7, PP7

Literature cited by the submitters: PubMed 31965079.

NC_012920.1(MT-TQ):m.4400A>G

Gene: MT-TQ (mitochondrially encoded tRNA glutamine; minus strand).
Variant type: single nucleotide variant.
Genome position: chrM-4400-A-G.
Identifiers: ClinVar variation 689908 (VCV000689908.1), dbSNP rs1603219449, ClinGen allele CA913178020.
Genomic context (GRCh38, chrMT:4,400, plus strand): 5'-AGAATCGAACCCATCCCTGAGAATCCAAAATTCTCCGTGCCACCTATCACACCCCATCCT[A>G]AAGTAAGGTCAGCTAAATAAGCTATCGGGCCCATACCCCGAAAATGTTGGTTATACCCTT-3'